The following is an entry in ClinVar:

NM_001374828.1(ARID1B):c.5856_5857del (p.Ile1953fs)

Gene: ARID1B (AT-rich interaction domain 1B; plus strand). Cytogenetic location: 6q25.3.
Variant type: Microsatellite.
Coding change: c.5856_5857del on transcript NM_001374828.1 (MANE Select); coding-DNA positions 5856 to 5857, 2 bases deleted (CA; older notation c.5856_5857delCA).
Protein change: p.Ile1953fs; shifts the reading frame from isoleucine 1953.
Molecular consequence: frameshift variant.
Genome position (GRCh38, 1-based): chr6:157,206,628-157,206,629, CA deleted; deleting any 2 consecutive bases within chr6:157,206,626-157,206,629 gives the same sequence; the c. name uses the placement nearest the transcript's 3' end. VCF-style (leftmost placement, unchanged base first): chr6-157206625-GCA-G. GRCh37 (hg19) VCF-style: chr6-157527759-GCA-G.
Other names: c.3357_3358del, p.Ile1120fs (NM_001363725.2); c.5736_5737del, p.Ile1913fs (NM_001371656.1, NM_001374820.1); c.5697_5698del, p.Ile1900fs (NM_017519.3); short protein forms I1120fs, I1900fs, I1913fs, I1953fs.
Identifiers: ClinVar variation 3775825 (VCV003775825.1).

ClinVar aggregate classification (germline): Likely pathogenic (1 of 4 stars; one submission).

Conditions:
Coffin-Siris syndrome 1 (CSS1). Also called: ARID1B-Related Coffin-Siris Syndrome; Mental retardation, autosomal dominant 12. Identifiers: Orphanet 1465, MedGen C3281201, MONDO:0007617, OMIM 135900. Disease mechanism: gain of function.

Submission:

3billion
Classification: Likely pathogenic for Coffin-Siris syndrome 1. Last evaluated: 2023-12-09. Review status: criteria provided, single submitter. Criteria: ACMG Guidelines, 2015. Collection method: clinical testing. Allele origin: germline. Affected: yes.
Comment: The variant is not observed in the gnomAD v2.1.1 dataset. Predicted Consequence/Location: Frameshift: predicted to result in a loss or disruption of normal protein function through protein truncation. Multiple pathogenic variants are reported in the predicted truncated region. Therefore, this variant is classified as Likely pathogenic according to the recommendation of ACMG/AMP guideline.